The following is an entry in ClinVar:

ClinVar aggregate classification (germline): Uncertain significance (1 of 4 stars; one submission).

Conditions:
Pontocerebellar hypoplasia type 1A (PCH1A). Also called: PONTOCEREBELLAR HYPOPLASIA WITH ANTERIOR HORN CELL DISEASE; PONTOCEREBELLAR HYPOPLASIA WITH INFANTILE SPINAL MUSCULAR ATROPHY. Identifiers: Orphanet 2254, Orphanet 88616, MedGen C1843504, MONDO:0011866, OMIM 607596.

Submission:

Labcorp Genetics (formerly Invitae), Labcorp
Classification: Uncertain significance for Pontocerebellar hypoplasia type 1A. Last evaluated: 2021-07-31. Review status: criteria provided, single submitter. Criteria: Invitae Variant Classification Sherloc (09022015). Collection method: clinical testing. Allele origin: germline.
Comment: In summary, the available evidence is currently insufficient to determine the role of this variant in disease. Therefore, it has been classified as a Variant of Uncertain Significance. Algorithms developed to predict the effect of missense changes on protein structure and function (SIFT, PolyPhen-2, Align-GVGD) all suggest that this variant is likely to be disruptive. This variant has not been reported in the literature in individuals affected with VRK1-related conditions. This variant is not present in population databases (ExAC no frequency). This sequence change replaces leucine with valine at codon 80 of the VRK1 protein (p.Leu80Val). The leucine residue is highly conserved and there is a small physicochemical difference between leucine and valine.

NM_003384.3(VRK1):c.238C>G (p.Leu80Val)

Gene: VRK1 (VRK serine/threonine kinase 1; plus strand). Cytogenetic location: 14q32.2.
Variant type: single nucleotide variant.
Coding change: c.238C>G on transcript NM_003384.3 (MANE Select); coding-DNA position 238, C replaced by G.
Protein change: p.Leu80Val; replaces leucine 80 with valine.
Molecular consequence: missense variant.
Genome position (GRCh38, 1-based): chr14:96,846,116, C>G. VCF-style: chr14-96846116-C-G. GRCh37 (hg19) VCF-style: chr14-97312453-C-G.
Other names: short protein forms L80V.
Identifiers: ClinVar variation 1356150 (VCV001356150.7), dbSNP rs2139779081, ClinGen allele CA390929342.
Genomic context (GRCh38, chr14:96,846,116, plus strand): 5'-TTAACTACTGCTAGTACTAATTAACTCTTATATTTTAAGGAACCCAGTGACAATGGACCT[C>G]TTTTTACTGAATTAAAGTTCTACCAACGAGCTGCAAAACCAGAGCAAAGTAAGAAATACA-3'
Protein context (NP_003375.1, residues 70-90): VKVEPSDNGP[Leu80Val]FTELKFYQRA